The following is an entry in ClinVar:

ClinVar aggregate classification (germline): Conflicting classifications of pathogenicity. Review status: criteria provided, conflicting classifications (1 of 4 stars). 3 submissions from 3 submitters: Uncertain significance (2); Likely benign (1). Last evaluated 2024-08-30.

Conditions:
Inborn genetic diseases. Identifiers: MedGen C0950123, MeSH D030342.

Allele frequency attached by ClinVar (database versions not stated): gnomAD below 0.00001 and 0.00001; 1000 Genomes Project 30x 0.00016; 1000 Genomes Project 0.00020.
gnomAD v4.1: 37 of 1,614,130 alleles (0.0023%); highest among the groups gnomAD compares: South Asian, 0.035%; no homozygotes.

Submissions (3):

Blueprint Genetics
Classification: Likely benign. Last evaluated: 2024-08-30. Review status: criteria provided, single submitter. Criteria: ACMG Guidelines, 2015. Collection method: clinical testing. Allele origin: germline.

Labcorp Genetics (formerly Invitae), Labcorp
Classification: Uncertain significance. Last evaluated: 2022-10-18. Review status: criteria provided, single submitter. Criteria: Invitae Variant Classification Sherloc (09022015). Collection method: clinical testing. Allele origin: germline.
Comment: This sequence change replaces alanine, which is neutral and non-polar, with serine, which is neutral and polar, at codon 625 of the IMPG2 protein (p.Ala625Ser). In summary, the available evidence is currently insufficient to determine the role of this variant in disease. Therefore, it has been classified as a Variant of Uncertain Significance. Advanced modeling of protein sequence and biophysical properties (such as structural, functional, and spatial information, amino acid conservation, physicochemical variation, residue mobility, and thermodynamic stability) performed at Invitae indicates that this missense variant is not expected to disrupt IMPG2 protein function. ClinVar contains an entry for this variant (Variation ID: 962647). This variant has not been reported in the literature in individuals affected with IMPG2-related conditions. This variant is present in population databases (rs373893244, gnomAD 0.06%).

Ambry Genetics
Classification: Uncertain significance for Inborn genetic diseases. Last evaluated: 2021-08-12. Review status: criteria provided, single submitter. Criteria: Ambry Variant Classification Scheme 2023. Collection method: clinical testing. Allele origin: germline.

NM_016247.4(IMPG2):c.1873G>T (p.Ala625Ser)

Gene: IMPG2 (interphotoreceptor matrix proteoglycan 2; minus strand). Cytogenetic location: 3q12.3.
Variant type: single nucleotide variant.
Coding change: c.1873G>T on transcript NM_016247.4 (MANE Select); coding-DNA position 1873, G replaced by T.
Protein change: p.Ala625Ser; replaces alanine 625 with serine.
Molecular consequence: missense variant.
Genome position (GRCh38, 1-based): chr3:101,244,458, C>A on the plus strand (G>T on the coding strand, the complement: IMPG2 is on the minus strand). VCF-style: chr3-101244458-C-A. GRCh37 (hg19) VCF-style: chr3-100963302-C-A.
Other names: short protein forms A625S.
Identifiers: ClinVar variation 962647 (VCV000962647.11), dbSNP rs373893244, ClinGen allele CA2519077.